The following is an entry in ClinVar:

NM_000038.6(APC):c.7445C>T (p.Pro2482Leu)

Gene: APC (APC regulator of Wnt signaling pathway; plus strand). Cytogenetic location: 5q22.2.
Variant type: single nucleotide variant.
Coding change: c.7445C>T on transcript NM_000038.6 (MANE Select); coding-DNA position 7445, C replaced by T.
Protein change: p.Pro2482Leu; replaces proline 2482 with leucine.
Molecular consequence: missense variant.
Genome position (GRCh38, 1-based): chr5:112,843,039, C>T. VCF-style: chr5-112843039-C-T. GRCh37 (hg19) VCF-style: chr5-112178736-C-T.
Other names: c.7445C>T, p.Pro2482Leu (NM_001127510.3, NM_001354895.2); c.7391C>T, p.Pro2464Leu (NM_001127511.3); c.7499C>T, p.Pro2500Leu (NM_001354896.2); c.7475C>T, p.Pro2492Leu (NM_001354897.2); c.7370C>T, p.Pro2457Leu (NM_001354898.2); c.7361C>T, p.Pro2454Leu (NM_001354899.2); c.7322C>T, p.Pro2441Leu (NM_001354900.2); c.7268C>T, p.Pro2423Leu (NM_001354901.2); and 5 more; short protein forms P2391L, P2423L, P2441L, P2457L, P2464L, P2492L, P2381L, P2482L.
Identifiers: ClinVar variation 646903 (VCV000646903.10), dbSNP rs1580682723, ClinGen allele CA16037534.

ClinVar aggregate classification (germline): Uncertain significance (1 of 4 stars; one submission).

Conditions:
Familial adenomatous polyposis 1 (FAP1). Also called: FAMILIAL ADENOMATOUS POLYPOSIS 1, ATTENUATED; POLYPOSIS, ADENOMATOUS INTESTINAL. Identifiers: MedGen C2713442, MONDO:0021056, OMIM 175100. Disease mechanism: loss of function.

Submission:

Labcorp Genetics (formerly Invitae), Labcorp
Classification: Uncertain significance for Familial adenomatous polyposis 1. Last evaluated: 2025-02-03. Review status: criteria provided, single submitter. Criteria: Invitae Variant Classification Sherloc (09022015). Collection method: clinical testing. Allele origin: germline.
Comment: This sequence change replaces proline, which is neutral and non-polar, with leucine, which is neutral and non-polar, at codon 2482 of the APC protein (p.Pro2482Leu). This variant is not present in population databases (gnomAD no frequency). This variant has not been reported in the literature in individuals affected with APC-related conditions. ClinVar contains an entry for this variant (Variation ID: 646903). Invitae Evidence Modeling of protein sequence and biophysical properties (such as structural, functional, and spatial information, amino acid conservation, physicochemical variation, residue mobility, and thermodynamic stability) indicates that this missense variant is not expected to disrupt APC protein function with a negative predictive value of 95%. In summary, the available evidence is currently insufficient to determine the role of this variant in disease. Therefore, it has been classified as a Variant of Uncertain Significance.